The following is an entry in ClinVar:

ClinVar aggregate classification (germline): Uncertain significance. Review status: criteria provided, multiple submitters, no conflicts (2 of 4 stars). 2 submissions from 2 submitters: Uncertain significance (2). Last evaluated 2024-02-14.

Conditions:
Familial cancer of breast. Also called: BREAST CANCER, FAMILIAL; Hereditary breast cancer; hereditary breast carcinoma. Identifiers: Orphanet 227535, MedGen C0346153, MONDO:0016419, OMIM 114480. Disease mechanism: loss of function.
Hereditary cancer-predisposing syndrome. Also called: Neoplastic Syndromes, Hereditary; Tumor predisposition; Hereditary neoplastic syndrome; Hereditary Cancer Syndrome. Identifiers: Orphanet 140162, MedGen C0027672, MeSH D009386, MONDO:0015356.

Submissions (2):

Labcorp Genetics (formerly Invitae), Labcorp
Classification: Uncertain significance for Familial cancer of breast. Last evaluated: 2024-02-14. Review status: criteria provided, single submitter. Criteria: Invitae Variant Classification Sherloc (09022015). Collection method: clinical testing. Allele origin: germline.
Comment: This sequence change replaces phenylalanine, which is neutral and non-polar, with isoleucine, which is neutral and non-polar, at codon 147 of the CHEK2 protein (p.Phe147Ile). This variant is not present in population databases (gnomAD no frequency). This variant has not been reported in the literature in individuals affected with CHEK2-related conditions. ClinVar contains an entry for this variant (Variation ID: 2452088). An algorithm developed to predict the effect of missense changes on protein structure and function (PolyPhen-2) suggests that this variant is likely to be tolerated. In summary, the available evidence is currently insufficient to determine the role of this variant in disease. Therefore, it has been classified as a Variant of Uncertain Significance.

Ambry Genetics
Classification: Uncertain significance for Hereditary cancer-predisposing syndrome. Last evaluated: 2023-03-02. Review status: criteria provided, single submitter. Criteria: Ambry Variant Classification Scheme 2023. Collection method: clinical testing. Allele origin: germline.
Comment: The p.F147I variant (also known as c.439T>A), located in coding exon 2 of the CHEK2 gene, results from a T to A substitution at nucleotide position 439. The phenylalanine at codon 147 is replaced by isoleucine, an amino acid with highly similar properties. This amino acid position is conserved. In addition, the in silico prediction for this alteration is inconclusive. Since supporting evidence is limited at this time, the clinical significance of this alteration remains unclear.

NM_007194.4(CHEK2):c.439T>A (p.Phe147Ile)

Gene: CHEK2 (checkpoint kinase 2; minus strand). Cytogenetic location: 22q12.1.
Variant type: single nucleotide variant.
Coding change: c.439T>A on transcript NM_007194.4 (MANE Select); coding-DNA position 439, T replaced by A.
Protein change: p.Phe147Ile; replaces phenylalanine 147 with isoleucine.
Molecular consequence: missense variant.
Genome position (GRCh38, 1-based): chr22:28,725,248, A>T on the plus strand (T>A on the coding strand, the complement: CHEK2 is on the minus strand). VCF-style: chr22-28725248-A-T. GRCh37 (hg19) VCF-style: chr22-29121236-A-T.
Other names: c.568T>A, p.Phe190Ile (NM_001005735.3); c.-339T>A (NM_001257387.3); c.439T>A, p.Phe147Ile (NM_001349956.3, NM_145862.3); short protein forms F190I, F147I.
Identifiers: ClinVar variation 2452088 (VCV002452088.4), dbSNP rs2146066512, ClinGen allele CA411107878.